The following is an entry in ClinVar:

ClinVar aggregate classification (germline): Benign/Likely benign. Review status: criteria provided, multiple submitters, no conflicts (2 of 4 stars). 12 submissions from 12 submitters: Benign (9); Likely benign (1). 2 of the submissions do not count toward it. Last evaluated 2026-02-04.

Conditions:
Combined immunodeficiency due to DOCK8 deficiency (HIES2). Also called: Hyper-IgE recurrent infection syndrome, autosomal recessive; HYPER-IgE RECURRENT INFECTION SYNDROME 2, AUTOSOMAL RECESSIVE; DOCK8 Deficiency; HIES autosomal recessive; HYPER-IgE SYNDROME 2, AUTOSOMAL RECESSIVE, WITH RECURRENT INFECTIONS. Identifiers: Orphanet 217390, MedGen C4722305, MONDO:0009478, OMIM 243700.

Allele frequency attached by ClinVar (database versions not stated): ExAC 0.23444; 1000 Genomes Project 0.25499; 1000 Genomes Project 30x 0.25984; TOPMed 0.27570; ESP Exome Variant Server 0.28502.
gnomAD v4.1: 392,853 of 1,613,320 alleles (24%); highest among the groups gnomAD compares: African/African-American, 37%; 49,875 homozygotes.

Submissions (12):

Labcorp Genetics (formerly Invitae), Labcorp
Classification: Benign for Combined immunodeficiency due to DOCK8 deficiency. Last evaluated: 2026-02-04. Review status: criteria provided, single submitter. Criteria: Invitae Variant Classification Sherloc (09022015). Collection method: clinical testing. Allele origin: germline.

Women's Health and Genetics/Laboratory Corporation of America, LabCorp
Classification: Benign. Last evaluated: 2026-01-21. Review status: criteria provided, single submitter. Criteria: LabCorp Variant Classification Summary - May 2015. Collection method: clinical testing. Allele origin: germline.

Blueprint Genetics
Classification: Likely benign. Last evaluated: 2024-11-27. Review status: criteria provided, single submitter. Criteria: ACMG Guidelines, 2015. Collection method: clinical testing. Allele origin: germline.

Unidad de Genómica Garrahan, Hospital de Pediatría Garrahan
Classification: Benign. Last evaluated: 2023-11-12. Review status: criteria provided, single submitter. Criteria: ACMG Guidelines, 2015. Collection method: clinical testing. Allele origin: germline. Affected: no. Observed: 37 variant alleles.
Comment: This variant is classified as Benign based on local population frequency. This variant was detected in 39% of patients studied by a panel of primary immunodeficiencies. Number of patients: 37. Only high quality variants are reported.

Mayo Clinic Laboratories, Mayo Clinic
Classification: Benign. Last evaluated: 2019-03-26. Review status: criteria provided, single submitter. Criteria: ACMG Guidelines, 2015. Collection method: clinical testing. Allele origin: germline. Observed: 363 variant alleles.

Illumina Laboratory Services, Illumina
Classification: Benign for Combined immunodeficiency due to DOCK8 deficiency. Last evaluated: 2018-01-12. Review status: criteria provided, single submitter. Criteria: ICSL Variant Classification Criteria 13 December 2019. Collection method: clinical testing. Allele origin: germline.
Comment: This variant was observed in the ICSL laboratory as part of a predisposition screen in an ostensibly healthy population. It had not been previously curated by ICSL or reported in the Human Gene Mutation Database (HGMD: prior to June 1st, 2018), and was therefore a candidate for classification through an automated scoring system. Utilizing variant allele frequency, disease prevalence and penetrance estimates, and inheritance mode, an automated score was calculated to assess if this variant is too frequent to cause the disease. Based on the score and internal cut-off values, a variant classified as benign is not then subjected to further curation. The score for this variant resulted in a classification of benign for this disease.

GeneDx
Classification: Benign. Last evaluated: 2013-09-27. Review status: criteria provided, single submitter. Criteria: GeneDx Variant Classification (06012015). Collection method: clinical testing. Allele origin: germline. Affected: yes.
Comment: This variant is considered likely benign or benign based on one or more of the following criteria: it is a conservative change, it occurs at a poorly conserved position in the protein, it is predicted to be benign by multiple in silico algorithms, and/or has population frequency not consistent with disease.

Laboratory for Molecular Medicine, Mass General Brigham Personalized Medicine
Classification: Benign. Last evaluated: 2013-02-21. Review status: criteria provided, single submitter. Criteria: LMM Criteria. Collection method: clinical testing. Allele origin: germline. Observed: 32 variant alleles.
Comment: Thr972Thr in exon 24 of DOCK8: This variant is not expected to have clinical sig nificance because it does not alter an amino acid residue and is not located wit hin the splice consensus sequence. It has been identified in 36.1% (1592/4406) o f African American chromosomes from a broad population by the NHLBI Exome Sequen cing Project (dbSNP rs2297075).

Breakthrough Genomics
Classification: Benign. Review status: criteria provided, single submitter. Criteria: ACMG Guidelines, 2015. Collection method: not provided. Allele origin: germline. Inheritance: Autosomal recessive inheritance. Affected: yes.

PreventionGenetics, part of Exact Sciences
Classification: Benign. Review status: criteria provided, single submitter. Criteria: ACMG Guidelines, 2015. Collection method: clinical testing. Allele origin: germline.

Diagnostic Laboratory, Department of Genetics, University Medical Center Groningen
Classification: Benign. Review status: no assertion criteria provided. Collection method: clinical testing. Allele origin: germline. Affected: yes. Study: VKGL Data-share Consensus. Not counted in ClinVar's aggregate classification.

Genome Diagnostics Laboratory, University Medical Center Utrecht
Classification: Benign. Review status: no assertion criteria provided. Collection method: clinical testing. Allele origin: germline. Affected: yes. Study: VKGL Data-share Consensus. Not counted in ClinVar's aggregate classification.

NM_203447.4(DOCK8):c.2916C>T (p.Thr972=)

Gene: DOCK8 (dedicator of cytokinesis 8; plus strand). Cytogenetic location: 9p24.3.
Variant type: single nucleotide variant.
Coding change: c.2916C>T on transcript NM_203447.4 (MANE Select); coding-DNA position 2916, C replaced by T.
Protein change: p.Thr972=; no amino-acid change (threonine 972 retained).
Molecular consequence: synonymous variant.
Genome position (GRCh38, 1-based): chr9:390,512, C>T. VCF-style: chr9-390512-C-T. GRCh37 (hg19) VCF-style: chr9-390512-C-T.
Other names: p.T904T:ACC>ACT; p.Thr972=; c.2616C>T, p.Thr872= (NM_001190458.2); c.2712C>T, p.Thr904= (NM_001193536.2).
Identifiers: ClinVar variation 137141 (VCV000137141.28), dbSNP rs2297075, ClinGen allele CA182977.
Genomic context (GRCh38, chr9:390,512, plus strand): 5'-TTTTGTGGTTCTTATTTAGCATTTCCATGAGGAGCTTGCCCTTCAGATGGTGGTCAGCAC[C>T]GGAATGGTGAGAGAAACAGTCTTCAAGTATGCCTGGTTCTTCTTTGAGCTTCTGGTGAGA-3'
Protein context (NP_982272.2, residues 962-982): EELALQMVVS[Thr972=]GMVRETVFKY